The following is an entry in ClinVar:

NM_005732.4(RAD50):c.2446C>A (p.Leu816Ile)

Gene: RAD50 (RAD50 double strand break repair protein; plus strand). Cytogenetic location: 5q31.1.
Variant type: single nucleotide variant.
Coding change: c.2446C>A on transcript NM_005732.4 (MANE Select); coding-DNA position 2446, C replaced by A.
Protein change: p.Leu816Ile; replaces leucine 816 with isoleucine.
Molecular consequence: missense variant.
Genome position (GRCh38, 1-based): chr5:132,603,968, C>A. VCF-style: chr5-132603968-C-A. GRCh37 (hg19) VCF-style: chr5-131939660-C-A.
Other names: short protein forms L816I.
Identifiers: ClinVar variation 1036437 (VCV001036437.9), dbSNP rs1750934033, ClinGen allele CA360955537.
Genomic context (GRCh38, chr5:132,603,968, plus strand): 5'-TATATTCTTAAGATGGAACTTAAAGATGTTGAAAGAAAAATTGCACAACAAGCAGCTAAG[C>A]TACAAGGAATAGACTTAGATCGAACTGTCCAACAAGTCAACCAGGAGAAACAAGAGAAAC-3'
Protein context (NP_005723.2, residues 806-826): ERKIAQQAAK[Leu816Ile]QGIDLDRTVQ

ClinVar aggregate classification (germline): Uncertain significance (1 of 4 stars; one submission).

Conditions:
Hereditary cancer-predisposing syndrome. Also called: Neoplastic Syndromes, Hereditary; Hereditary Cancer Syndrome; Tumor predisposition; Hereditary neoplastic syndrome. Identifiers: Orphanet 140162, MedGen C0027672, MeSH D009386, MONDO:0015356.

Submission:

Labcorp Genetics (formerly Invitae), Labcorp
Classification: Uncertain significance for Hereditary cancer-predisposing syndrome. Last evaluated: 2020-10-09. Review status: criteria provided, single submitter. Criteria: Invitae Variant Classification Sherloc (09022015). Collection method: clinical testing. Allele origin: germline.
Comment: This sequence change replaces leucine with isoleucine at codon 816 of the RAD50 protein (p.Leu816Ile). The leucine residue is moderately conserved and there is a small physicochemical difference between leucine and isoleucine. In summary, the available evidence is currently insufficient to determine the role of this variant in disease. Therefore, it has been classified as a Variant of Uncertain Significance. Algorithms developed to predict the effect of missense changes on protein structure and function are either unavailable or do not agree on the potential impact of this missense change (SIFT: "Tolerated"; PolyPhen-2: "Probably Damaging"; Align-GVGD: "Class C0"). This variant has not been reported in the literature in individuals with RAD50-related conditions. This variant is not present in population databases (ExAC no frequency).